The following is an entry in ClinVar:

ClinVar aggregate classification (germline): Benign (1 of 4 stars; one submission).

Conditions:
Congenital Muscular Dystrophy, alpha-dystroglycan related.

Allele frequency attached by ClinVar (database versions not stated): 1000 Genomes Project 30x 0.01077; 1000 Genomes Project 0.01198; TOPMed 0.01569.

Submission:

Illumina Laboratory Services, Illumina
Classification: Benign for Congenital Muscular Dystrophy, alpha-dystroglycan related. Last evaluated: 2018-01-12. Review status: criteria provided, single submitter. Criteria: ICSL Variant Classification Criteria 13 December 2019. Collection method: clinical testing. Allele origin: germline.
Comment: This variant was observed in the ICSL laboratory as part of a predisposition screen in an ostensibly healthy population. It had not been previously curated by ICSL or reported in the Human Gene Mutation Database (HGMD: prior to June 1st, 2018), and was therefore a candidate for classification through an automated scoring system. Utilizing variant allele frequency, disease prevalence and penetrance estimates, and inheritance mode, an automated score was calculated to assess if this variant is too frequent to cause the disease. Based on the score and internal cut-off values, a variant classified as benign is not then subjected to further curation. The score for this variant resulted in a classification of benign for this disease.

NM_001101426.4(CRPPA):c.*3475C>T

Gene: CRPPA (CDP-L-ribitol pyrophosphorylase A; minus strand). Cytogenetic location: 7p21.2.
Variant type: single nucleotide variant.
Coding change: c.*3475C>T on transcript NM_001101426.4 (MANE Select); 3475 bases downstream of the stop codon, C replaced by T.
Molecular consequence: 3 prime UTR variant. On other transcripts: non-coding transcript variant (1).
Genome position (GRCh38, 1-based): chr7:16,088,220, G>A on the plus strand (C>T on the coding strand, the complement: CRPPA is on the minus strand). VCF-style: chr7-16088220-G-A. GRCh37 (hg19) VCF-style: chr7-16127845-G-A.
Other names: c.*3475C>T (NM_001101417.4, NM_001368197.1).
Identifiers: ClinVar variation 359491 (VCV000359491.5), dbSNP rs80341455, ClinGen allele CA10623569.
Genomic context (GRCh38, chr7:16,088,220, plus strand): 5'-TACTCACGCTATGATGAACTCCTAAGACGACTAACTTTAATTTGCATTTAACTAACTAGC[G>A]TAAGTTTAGAAAGAAAACCATTTTGCAACAAAATTTCCCACAAGTGGAAGCATTTTCAGA-3'